The following is an entry in ClinVar:

NM_024408.4(NOTCH2):c.7318A>G (p.Thr2440Ala)

Gene: NOTCH2 (notch receptor 2; minus strand). Cytogenetic location: 1p12.
Variant type: single nucleotide variant.
Coding change: c.7318A>G on transcript NM_024408.4 (MANE Select); coding-DNA position 7318, A replaced by G.
Protein change: p.Thr2440Ala; replaces threonine 2440 with alanine.
Molecular consequence: missense variant.
Genome position (GRCh38, 1-based): chr1:119,915,404, T>C on the plus strand (A>G on the coding strand, the complement: NOTCH2 is on the minus strand). VCF-style: chr1-119915404-T-C. GRCh37 (hg19) VCF-style: chr1-120458027-T-C.
Other names: short protein forms T2440A.
Identifiers: ClinVar variation 2854430 (VCV002854430.3), dbSNP rs770716987, ClinGen allele CA1039293.

ClinVar aggregate classification (germline): Uncertain significance (1 of 4 stars; one submission).

Conditions:
Hajdu-Cheney syndrome (HJCYS). Also called: ACROOSTEOLYSIS WITH OSTEOPOROSIS AND CHANGES IN SKULL AND MANDIBLE; SERPENTINE FIBULA-POLYCYSTIC KIDNEY SYNDROME; Acroosteolysis dominant type. Identifiers: Orphanet 955, MedGen C0917715, MONDO:0007057, OMIM 102500.

Allele frequency attached by ClinVar (database versions not stated): gnomAD exomes below 0.00001; ExAC 0.00002; TOPMed 0.00003; gnomAD 0.00007.
gnomAD v4.1: 17 of 1,614,036 alleles (0.0011%); highest among the groups gnomAD compares: African/African-American, 0.023%; no homozygotes.

Submission:

Labcorp Genetics (formerly Invitae), Labcorp
Classification: Uncertain significance for Hajdu-Cheney syndrome. Last evaluated: 2023-03-22. Review status: criteria provided, single submitter. Criteria: Invitae Variant Classification Sherloc (09022015). Collection method: clinical testing. Allele origin: germline.
Comment: In summary, the available evidence is currently insufficient to determine the role of this variant in disease. Therefore, it has been classified as a Variant of Uncertain Significance. Advanced modeling of protein sequence and biophysical properties (such as structural, functional, and spatial information, amino acid conservation, physicochemical variation, residue mobility, and thermodynamic stability) performed at Invitae indicates that this missense variant is not expected to disrupt NOTCH2 protein function. This variant has not been reported in the literature in individuals affected with NOTCH2-related conditions. This variant is present in population databases (rs770716987, gnomAD 0.02%). This sequence change replaces threonine, which is neutral and polar, with alanine, which is neutral and non-polar, at codon 2440 of the NOTCH2 protein (p.Thr2440Ala).